The following is an entry in ClinVar:

NM_000088.4(COL1A1):c.3251G>T (p.Arg1084Leu)

Gene: COL1A1 (collagen type I alpha 1 chain; minus strand). Cytogenetic location: 17q21.33.
Variant type: single nucleotide variant.
Coding change: c.3251G>T on transcript NM_000088.4 (MANE Select); coding-DNA position 3251, G replaced by T.
Protein change: p.Arg1084Leu; replaces arginine 1084 with leucine.
Molecular consequence: missense variant.
Genome position (GRCh38, 1-based): chr17:50,188,106, C>A on the plus strand (G>T on the coding strand, the complement: COL1A1 is on the minus strand). VCF-style: chr17-50188106-C-A. GRCh37 (hg19) VCF-style: chr17-48265467-C-A.
Other names: short protein forms R1084L.
Identifiers: ClinVar variation 2633580 (VCV002633580.5), dbSNP rs746341018, ClinGen allele CA8644509.

ClinVar aggregate classification (germline): Uncertain significance. Review status: criteria provided, multiple submitters, no conflicts (2 of 4 stars). 2 submissions from 2 submitters: Uncertain significance (2). Last evaluated 2025-02-05.

Conditions:
Osteogenesis imperfecta type I (OI1). Also called: OI, TYPE I; OSTEOGENESIS IMPERFECTA TARDA; OSTEOGENESIS IMPERFECTA WITH BLUE SCLERAE; Osteogenesis imperfecta type 1; Lobstein's Disease; Lobstein disease. Identifiers: Orphanet 216796, Orphanet 666, MedGen C0023931, MONDO:0008146, OMIM 166200. Disease mechanism: loss of function.
COL1A1-related disorder. Also called: COL1A1- related disease; COL1A1-related condition.

gnomAD v4.1: 4 of 1,590,616 alleles (0.00025%); highest among the groups gnomAD compares: Admixed American, 0.0071%; no homozygotes.

Submissions (2):

PreventionGenetics, part of Exact Sciences
Classification: Uncertain significance for COL1A1-related condition. Last evaluated: 2025-02-05. Review status: criteria provided, single submitter. Criteria: ACMG Guidelines, 2015. Collection method: clinical testing. Allele origin: germline.
Comment: The COL1A1 c.3251G>T variant is predicted to result in the amino acid substitution p.Arg1084Leu. To our knowledge, this variant has not been reported in the literature. This variant is reported in 0.0067% of alleles in individuals of Latino descent in gnomAD. At this time, the clinical significance of this variant is uncertain due to the absence of conclusive functional and genetic evidence.

Labcorp Genetics (formerly Invitae), Labcorp
Classification: Uncertain significance for Osteogenesis imperfecta type I. Last evaluated: 2023-08-28. Review status: criteria provided, single submitter. Criteria: Invitae Variant Classification Sherloc (09022015). Collection method: clinical testing. Allele origin: germline.
Comment: This variant has not been reported in the literature in individuals affected with COL1A1-related conditions. In summary, the available evidence is currently insufficient to determine the role of this variant in disease. Therefore, it has been classified as a Variant of Uncertain Significance. Advanced modeling of protein sequence and biophysical properties (such as structural, functional, and spatial information, amino acid conservation, physicochemical variation, residue mobility, and thermodynamic stability) performed at Invitae indicates that this missense variant is expected to disrupt COL1A1 protein function. The frequency data for this variant in the population databases is considered unreliable, as metrics indicate poor data quality at this position in the gnomAD database. This sequence change replaces arginine, which is basic and polar, with leucine, which is neutral and non-polar, at codon 1084 of the COL1A1 protein (p.Arg1084Leu).